The following is an entry in ClinVar:

NM_001386140.1(MTTP):c.1872dup (p.Pro625fs)

Gene: MTTP (microsomal triglyceride transfer protein; plus strand). Cytogenetic location: 4q23.
Variant type: Duplication.
Coding change: c.1872dup on transcript NM_001386140.1 (MANE Select); coding-DNA position 1872, one base duplicated (T; older notation c.1872dupT).
Protein change: p.Pro625fs; shifts the reading frame from proline 625.
Molecular consequence: frameshift variant.
Genome position (GRCh38, 1-based): chr4:99,611,336, T duplicated. VCF-style (leftmost placement, unchanged base first): chr4-99611335-G-GT. GRCh37 (hg19) VCF-style: chr4-100532492-G-GT.
Other names: c.1872dup, p.Pro625fs (NM_000253.4); c.1623dup, p.Pro542fs (NM_001300785.2); short protein forms P542fs, P625fs.
Identifiers: ClinVar variation 3723376 (VCV003723376.2).

ClinVar aggregate classification (germline): Pathogenic (1 of 4 stars; one submission).

Submission:

Labcorp Genetics (formerly Invitae), Labcorp
Classification: Pathogenic. Last evaluated: 2024-10-21. Review status: criteria provided, single submitter. Criteria: Invitae Variant Classification Sherloc (09022015). Collection method: clinical testing. Allele origin: germline.
Comment: This sequence change creates a premature translational stop signal (p.Pro625Serfs*23) in the MTTP gene. It is expected to result in an absent or disrupted protein product. Loss-of-function variants in MTTP are known to be pathogenic (PMID: 8533758, 9671739). This variant is not present in population databases (gnomAD no frequency). This variant has not been reported in the literature in individuals affected with MTTP-related conditions. For these reasons, this variant has been classified as Pathogenic.

Literature cited by the submitters: PubMed 8533758; PubMed 9671739.